The following is an entry in ClinVar:

ClinVar aggregate classification (germline): Uncertain significance (1 of 4 stars; one submission).

Submission:

Ambry Genetics
Classification: Uncertain significance. Last evaluated: 2026-05-28. Review status: criteria provided, single submitter. Criteria: Ambry Variant Classification Scheme 2023. Collection method: clinical testing. Allele origin: germline.
Comment: The p.R442K variant (also known as c.1325G>A), located in coding exon 8 of the ATRIP gene, results from a G to A substitution at nucleotide position 1325. The arginine at codon 442 is replaced by lysine, an amino acid with highly similar properties. This amino acid position is conserved. In addition, this alteration is predicted to be tolerated by in silico analysis. Based on the available evidence, the clinical significance of this variant remains unclear.

NM_130384.3(ATRIP):c.1325G>A (p.Arg442Lys)

Genes: ATRIP (ATR interacting protein; plus strand), ATRIP-TREX1 (ATRIP-TREX1 readthrough; plus strand). Cytogenetic location: 3p21.31.
Variant type: single nucleotide variant.
Coding change: c.1325G>A on transcript NM_130384.3 (MANE Select); coding-DNA position 1325, G replaced by A.
Protein change: p.Arg442Lys; replaces arginine 442 with lysine.
Molecular consequence: missense variant. On other transcripts: non-coding transcript variant (1).
Genome position (GRCh38, 1-based): chr3:48,460,379, G>A. VCF-style: chr3-48460379-G-A. GRCh37 (hg19) VCF-style: chr3-48501778-G-A.
Other names: c.944G>A, p.Arg315Lys (NM_001271022.2); c.1046G>A, p.Arg349Lys (NM_001271023.2); c.1325G>A, p.Arg442Lys (NM_032166.4); short protein forms R315K, R349K, R442K.
Identifiers: ClinVar variation 4867257 (VCV004867257.1).